The following is an entry in ClinVar:

ClinVar aggregate classification (germline): Uncertain significance. Review status: criteria provided, multiple submitters, no conflicts (2 of 4 stars). 2 submissions from 2 submitters: Uncertain significance (2). Last evaluated 2024-12-23.

Conditions:
GATA binding protein 1 related thrombocytopenia with dyserythropoiesis. Also called: GATA1-Related X-Linked Cytopenia; GATA1-Related Cytopenia. Identifiers: MedGen C1845837, MONDO:0100089.
Diamond-Blackfan anemia. Also called: Blackfan Diamond syndrome; Aregenerative anemia chronic congenital; Red cell aplasia, pure hereditary; Congenital hypoplastic anemia; Aase syndrome. Identifiers: Orphanet 124, MedGen C1260899, MeSH D029503, MONDO:0015253, HP:0004810.

gnomAD v4.1: 2 of 1,211,594 alleles (0.00017%); highest among the groups gnomAD compares: Non-Finnish European, 0.00022%; no homozygotes.

Submissions (2):

Labcorp Genetics (formerly Invitae), Labcorp
Classification: Uncertain significance for GATA binding protein 1 related thrombocytopenia with dyserythropoiesis; Diamond-Blackfan anemia. Last evaluated: 2024-12-23. Review status: criteria provided, single submitter. Criteria: Invitae Variant Classification Sherloc (09022015). Collection method: clinical testing. Allele origin: germline.
Comment: This sequence change replaces proline, which is neutral and non-polar, with leucine, which is neutral and non-polar, at codon 198 of the GATA1 protein (p.Pro198Leu). This variant is not present in population databases (gnomAD no frequency). This variant has not been reported in the literature in individuals affected with GATA1-related conditions. Invitae Evidence Modeling of protein sequence and biophysical properties (such as structural, functional, and spatial information, amino acid conservation, physicochemical variation, residue mobility, and thermodynamic stability) indicates that this missense variant is not expected to disrupt GATA1 protein function with a negative predictive value of 95%. In summary, the available evidence is currently insufficient to determine the role of this variant in disease. Therefore, it has been classified as a Variant of Uncertain Significance.

Blueprint Genetics
Classification: Uncertain significance. Last evaluated: 2022-06-28. Review status: criteria provided, single submitter. Criteria: ACMG Guidelines, 2015. Collection method: clinical testing. Allele origin: germline.

NM_002049.4(GATA1):c.593C>T (p.Pro198Leu)

Gene: GATA1 (GATA binding protein 1; plus strand). Cytogenetic location: Xp11.23.
Variant type: single nucleotide variant.
Coding change: c.593C>T on transcript NM_002049.4 (MANE Select); coding-DNA position 593, C replaced by T.
Protein change: p.Pro198Leu; replaces proline 198 with leucine.
Molecular consequence: missense variant.
Genome position (GRCh38, 1-based): chrX:48,792,216, C>T. VCF-style: chrX-48792216-C-T. GRCh37 (hg19) VCF-style: chrX-48650623-C-T.
Other names: short protein forms P198L.
Identifiers: ClinVar variation 3761954 (VCV003761954.3).